The following is an entry in ClinVar:

ClinVar aggregate classification (germline): Pathogenic (1 of 4 stars; one submission).

Conditions:
Hereditary spastic paraplegia 49 (HSAN9). Also called: TECPR2-Related Hereditary Sensory and Autonomic Neuropathy with Intellectual Disability; NEUROPATHY, HEREDITARY SENSORY AND AUTONOMIC, TYPE IX, WITH DEVELOPMENTAL DELAY; Spastic paraplegia 49, autosomal recessive. Identifiers: Orphanet 320385, MedGen C5190860, MONDO:0014016, OMIM 615031.

Submission:

Labcorp Genetics (formerly Invitae), Labcorp
Classification: Pathogenic for Hereditary spastic paraplegia 49. Last evaluated: 2023-04-08. Review status: criteria provided, single submitter. Criteria: Invitae Variant Classification Sherloc (09022015). Collection method: clinical testing. Allele origin: germline.
Comment: For these reasons, this variant has been classified as Pathogenic. This variant has not been reported in the literature in individuals affected with TECPR2-related conditions. This variant is not present in population databases (gnomAD no frequency). This sequence change creates a premature translational stop signal (p.Asp619Thrfs*27) in the TECPR2 gene. It is expected to result in an absent or disrupted protein product. Loss-of-function variants in TECPR2 are known to be pathogenic (PMID: 23176824, 25590979).

Literature cited by the submitters: PubMed 23176824; PubMed 25590979.

NM_014844.5(TECPR2):c.1855del (p.Asp619fs)

Gene: TECPR2 (tectonin beta-propeller repeat containing 2; plus strand). Cytogenetic location: 14q32.31.
Variant type: Deletion.
Coding change: c.1855del on transcript NM_014844.5 (MANE Select); coding-DNA position 1855, one base deleted (G; older notation c.1855delG).
Protein change: p.Asp619fs; shifts the reading frame from aspartic acid 619.
Molecular consequence: frameshift variant.
Genome position (GRCh38, 1-based): chr14:102,434,672, G deleted; the last of 2 consecutive G bases (chr14:102,434,671-102,434,672); deleting either gives the same sequence. VCF-style (leftmost placement, unchanged base first): chr14-102434670-AG-A. GRCh37 (hg19) VCF-style: chr14-102901007-AG-A.
Other names: c.1855del, p.Asp619fs (NM_001172631.3); short protein forms D619fs.
Identifiers: ClinVar variation 2790869 (VCV002790869.1), dbSNP rs1352740721, ClinGen allele CA703211931.